The following is an entry in ClinVar:

ClinVar aggregate classification (germline): Uncertain significance (1 of 4 stars; one submission).

Conditions:
Cardiomyopathy (CMYO). Also called: Cardiomyopathies. Identifiers: Orphanet 167848, MedGen C0878544, MONDO:0004994, HP:0001638. Inheritance: Various modes of inheritance.

Allele frequency attached by ClinVar (database versions not stated): gnomAD exomes below 0.00001; ExAC 0.00001.
gnomAD v4.1: 4 of 1,614,004 alleles (0.00025%); highest among the groups gnomAD compares: Non-Finnish European, 0.00017%; no homozygotes.

Submission:

Color Diagnostics, LLC DBA Color Health
Classification: Uncertain significance for Cardiomyopathy. Last evaluated: 2024-03-06. Review status: criteria provided, single submitter. Criteria: ACMG Guidelines, 2015. Collection method: clinical testing. Allele origin: germline.
Comment: This missense variant replaces isoleucine with leucine at codon 1709 of the RYR2 protein. Computational prediction suggests that this variant may not impact protein structure and function (internally defined REVEL score threshold <= 0.5, PMID: 27666373). To our knowledge, functional studies have not been reported for this variant. This variant has not been reported in individuals affected with cardiovascular disorders in the literature. This variant has been identified in 1/249162 chromosomes in the general population by the Genome Aggregation Database (gnomAD). The available evidence is insufficient to determine the role of this variant in disease conclusively. Therefore, this variant is classified as a Variant of Uncertain Significance.

NM_001035.3(RYR2):c.5125A>C (p.Ile1709Leu)

Gene: RYR2 (ryanodine receptor 2; plus strand). Cytogenetic location: 1q43.
Variant type: single nucleotide variant.
Coding change: c.5125A>C on transcript NM_001035.3 (MANE Select); coding-DNA position 5125, A replaced by C.
Protein change: p.Ile1709Leu; replaces isoleucine 1709 with leucine.
Molecular consequence: missense variant.
Genome position (GRCh38, 1-based): chr1:237,614,253, A>C. VCF-style: chr1-237614253-A-C. GRCh37 (hg19) VCF-style: chr1-237777553-A-C.
Other names: short protein forms I1709L.
Identifiers: ClinVar variation 1170967 (VCV001170967.3), dbSNP rs779944369, ClinGen allele CA086835.